The following is an entry in ClinVar:

NM_025114.4(CEP290):c.3613C>A (p.Gln1205Lys)

Gene: CEP290 (centrosomal protein 290; minus strand). Cytogenetic location: 12q21.32.
Variant type: single nucleotide variant.
Coding change: c.3613C>A on transcript NM_025114.4 (MANE Select); coding-DNA position 3613, C replaced by A.
Protein change: p.Gln1205Lys; replaces glutamine 1205 with lysine.
Molecular consequence: missense variant.
Genome position (GRCh38, 1-based): chr12:88,089,448, G>T on the plus strand (C>A on the coding strand, the complement: CEP290 is on the minus strand). VCF-style: chr12-88089448-G-T. GRCh37 (hg19) VCF-style: chr12-88483225-G-T.
Other names: short protein forms Q1205K.
Identifiers: ClinVar variation 1329677 (VCV001329677.2), dbSNP rs1240887746, ClinGen allele CA386001185.
Genomic context (GRCh38, chr12:88,089,448, plus strand): 5'-TAATTGACTCCAACTTACCAAGAGCAGTAGCCTCACTCAGTTGAAGAGAGACATTATGTT[G>T]GTGCAACTTGGCAATGAGCGACTTTTCATCAGACTGTGCCTGATATTAAAAAAAATATAT-3'
Protein context (NP_079390.3, residues 1195-1215): DEKSLIAKLH[Gln1205Lys]HNVSLQLSEA

ClinVar aggregate classification (germline): Uncertain significance (1 of 4 stars; one submission).

Allele frequency attached by ClinVar (database versions not stated): gnomAD exomes below 0.00001 and 0.00001; TOPMed below 0.00001; gnomAD 0.00001.
gnomAD v4.1: 17 of 1,579,150 alleles (0.0011%); highest among the groups gnomAD compares: Non-Finnish European, 0.0014%; no homozygotes.

Submission:

GeneDx
Classification: Uncertain significance. Last evaluated: 2021-06-25. Review status: criteria provided, single submitter. Criteria: GeneDx Variant Classification Process June 2021. Collection method: clinical testing. Allele origin: germline. Affected: yes.
Comment: Not observed at significant frequency in large population cohorts (Lek et al., 2016); In silico analysis supports that this missense variant does not alter protein structure/function; Has not been previously published as pathogenic or benign to our knowledge; This variant is associated with the following publications: (PMID: 27535533)